The following is an entry in ClinVar:

ClinVar aggregate classification (germline): Pathogenic/Likely pathogenic. Review status: criteria provided, multiple submitters, no conflicts (2 of 4 stars). 2 submissions from 2 submitters: Pathogenic (1); Likely pathogenic (1). Last evaluated 2022-10-01.

Conditions:
Familial adenomatous polyposis 1 (FAP1). Also called: POLYPOSIS, ADENOMATOUS INTESTINAL; FAMILIAL ADENOMATOUS POLYPOSIS 1, ATTENUATED. Identifiers: MedGen C2713442, MONDO:0021056, OMIM 175100. Disease mechanism: loss of function.

Submissions (2):

Labcorp Genetics (formerly Invitae), Labcorp
Classification: Pathogenic for Familial adenomatous polyposis 1. Last evaluated: 2022-10-01. Review status: criteria provided, single submitter. Criteria: Invitae Variant Classification Sherloc (09022015). Collection method: clinical testing. Allele origin: germline.
Comment: This sequence change creates a premature translational stop signal (p.Lys980Thrfs*4) in the APC gene. While this is not anticipated to result in nonsense mediated decay, it is expected to disrupt the last 1864 amino acid(s) of the APC protein. This variant is not present in population databases (gnomAD no frequency). This variant has not been reported in the literature in individuals affected with APC-related conditions. ClinVar contains an entry for this variant (Variation ID: 801029). This variant disrupts a region of the APC protein in which other variant(s) (p.Tyr2645Lysfs*14) have been determined to be pathogenic (PMID: 1316610, 8381579, 9824584, 22135120, 27081525; Invitae). This suggests that this is a clinically significant region of the protein, and that variants that disrupt it are likely to be disease-causing. For these reasons, this variant has been classified as Pathogenic.

Quest Diagnostics Nichols Institute San Juan Capistrano
Classification: Likely pathogenic. Last evaluated: 2018-09-24. Review status: criteria provided, single submitter. Criteria: Quest Diagnostics criteria. Collection method: clinical testing. Allele origin: germline.
Comment: The variant results in a shift of the reading frame, and is therefore predicted to significantly disrupt the protein structure. Not found in the total gnomAD dataset, and the data are high quality (0/276966 chr).

Literature cited by the submitters: PubMed 1316610 (cited by Labcorp Genetics (formerly Invitae), Labcorp); PubMed 8381579 (cited by Labcorp Genetics (formerly Invitae), Labcorp); PubMed 9824584 (cited by Labcorp Genetics (formerly Invitae), Labcorp); PubMed 22135120 (cited by Labcorp Genetics (formerly Invitae), Labcorp); PubMed 27081525 (cited by Labcorp Genetics (formerly Invitae), Labcorp).

NM_000038.6(APC):c.2939_2940del (p.Lys980fs)

Gene: APC (APC regulator of Wnt signaling pathway; plus strand). Cytogenetic location: 5q22.2.
Variant type: Deletion.
Coding change: c.2939_2940del on transcript NM_000038.6 (MANE Select); coding-DNA positions 2939 to 2940, 2 bases deleted (AA; older notation c.2939_2940delAA).
Protein change: p.Lys980fs; shifts the reading frame from lysine 980.
Molecular consequence: frameshift variant.
Genome position (GRCh38, 1-based): chr5:112,838,533-112,838,534, AA deleted; deleting any 2 consecutive bases within chr5:112,838,532-112,838,534 gives the same sequence; the c. name uses the placement nearest the transcript's 3' end. VCF-style (leftmost placement, unchanged base first): chr5-112838531-GAA-G. GRCh37 (hg19) VCF-style: chr5-112174228-GAA-G.
Other names: c.2939_2940del, p.Lys980fs (NM_001127510.3, NM_001354895.2); c.2885_2886del, p.Lys962fs (NM_001127511.3); c.2993_2994del, p.Lys998fs (NM_001354896.2); c.2969_2970del, p.Lys990fs (NM_001354897.2); c.2864_2865del, p.Lys955fs (NM_001354898.2); c.2855_2856del, p.Lys952fs (NM_001354899.2); c.2816_2817del, p.Lys939fs (NM_001354900.2); c.2762_2763del, p.Lys921fs (NM_001354901.2); and 5 more; short protein forms K854fs, K921fs, K939fs, K990fs, K998fs, K820fs, K879fs, K955fs.
Identifiers: ClinVar variation 801029 (VCV000801029.6), dbSNP rs1580629061, ClinGen allele CA915943476.